The following is an entry in ClinVar:

ClinVar aggregate classification (germline): Uncertain significance (1 of 4 stars; one submission).

Conditions:
Cardiomyopathy (CMYO). Also called: Cardiomyopathies. Identifiers: Orphanet 167848, MedGen C0878544, MONDO:0004994, HP:0001638. Inheritance: Various modes of inheritance.

Submission:

Color Diagnostics, LLC DBA Color Health
Classification: Uncertain significance for Cardiomyopathy. Last evaluated: 2023-12-05. Review status: criteria provided, single submitter. Criteria: ACMG Guidelines, 2015. Collection method: clinical testing. Allele origin: germline.
Comment: Variant of Uncertain Significance due to insufficient evidence: This missense variant replace asparagine with lysine at codon 25 of the TNNI3 protein. Computational prediction tools and conservation analyses are inconclusive regarding the impact of this variant on the protein function. Computational splicing tools suggest that this variant may not impact RNA splicing. To our knowledge, functional assays have not been performed for this variant nor has this variant been reported in individuals affected with cardiovascular disorders in the literature. This variant is rare in the general population and has been identified in 0/277264 chromosomes by the Genome Aggregation Database (gnomAD). Available evidence is insufficient to determine the pathogenicity of this variant conclusively.

NM_000363.5(TNNI3):c.75C>G (p.Asn25Lys)

Gene: TNNI3 (troponin I3, cardiac type; minus strand). Cytogenetic location: 19q13.42.
Variant type: single nucleotide variant.
Coding change: c.75C>G on transcript NM_000363.5 (MANE Select); coding-DNA position 75, C replaced by G.
Protein change: p.Asn25Lys; replaces asparagine 25 with lysine.
Molecular consequence: missense variant.
Genome position (GRCh38, 1-based): chr19:55,157,083, G>C on the plus strand (C>G on the coding strand, the complement: TNNI3 is on the minus strand). VCF-style: chr19-55157083-G-C. GRCh37 (hg19) VCF-style: chr19-55668451-G-C.
Other names: c.75C>G (LRG_432t1); short protein forms N25K.
Identifiers: ClinVar variation 629590 (VCV000629590.4), dbSNP rs1568859781, ClinGen allele CA407443015.
Genomic context (GRCh38, chr19:55,157,083, plus strand): 5'-CTCTGCCCCCAGGAAGCCCCGTCCCACCTTGGCGTGCGGCTCCGTGGCATAAGCGCGGTA[G>C]TTGGAGGAGCGGCGTCTGATTGGGGCTGGTGCAGGGCGAGGTTCCCTAGCCTGGGTTAGG-3'
Protein context (NP_000354.4, residues 15-35): APAPIRRRSS[Asn25Lys]YRAYATEPHA